The following is an entry in ClinVar:

ClinVar aggregate classification (germline): Uncertain significance (1 of 4 stars; one submission).

Conditions:
Frasier syndrome. Identifiers: Orphanet 347, MedGen C0950122, MeSH D052159, MONDO:0007635, OMIM 136680.
Drash syndrome (DDS). Also called: NEPHROPATHY, WILMS TUMOR, AND GENITAL ANOMALIES; WILMS TUMOR AND PSEUDO- OR TRUE HERMAPHRODITISM. Identifiers: Orphanet 220, MedGen C0950121, MONDO:0008682, OMIM 194080.
Wilms tumor 1 (WT1). Also called: Wilms tumor, somatic. Identifiers: Orphanet 654, MedGen CN033288, MONDO:0008679, OMIM 194070.
11p partial monosomy syndrome (WAGR). Also called: WAGR Spectrum Disorder; CHROMOSOME 11p13 DELETION SYNDROME; WAGR Complex; WAGR syndrome. Identifiers: Orphanet 893, MedGen C0206115, MONDO:0008681, OMIM 194072.

Allele frequency attached by ClinVar (database versions not stated): gnomAD exomes below 0.00001; ExAC 0.00001.
gnomAD v4.1: 1 of 1,613,186 alleles (0.000062%); highest among the groups gnomAD compares: South Asian, 0.0011%; no homozygotes.

Submission:

Labcorp Genetics (formerly Invitae), Labcorp
Classification: Uncertain significance for Wilms tumor 1; Drash syndrome; 11p partial monosomy syndrome; Frasier syndrome. Last evaluated: 2021-05-12. Review status: criteria provided, single submitter. Criteria: Invitae Variant Classification Sherloc (09022015). Collection method: clinical testing. Allele origin: germline.
Comment: In summary, the available evidence is currently insufficient to determine the role of this variant in disease. Therefore, it has been classified as a Variant of Uncertain Significance. Algorithms developed to predict the effect of missense changes on protein structure and function (SIFT, PolyPhen-2, Align-GVGD) all suggest that this variant is likely to be tolerated, but these predictions have not been confirmed by published functional studies and their clinical significance is uncertain. This variant has not been reported in the literature in individuals with WT1-related conditions. This variant is present in population databases (rs746367691, ExAC 0.006%). This sequence change replaces tyrosine with histidine at codon 217 of the WT1 protein (p.Tyr217His). The tyrosine residue is highly conserved and there is a moderate physicochemical difference between tyrosine and histidine.

NM_024426.6(WT1):c.664T>C (p.Tyr222His)

Gene: WT1 (WT1 transcription factor; minus strand). Cytogenetic location: 11p13.
Variant type: single nucleotide variant.
Coding change: c.664T>C on transcript NM_024426.6 (MANE Select); coding-DNA position 664, T replaced by C.
Protein change: p.Tyr222His; replaces tyrosine 222 with histidine.
Molecular consequence: missense variant. On other transcripts: non-coding transcript variant (1).
Genome position (GRCh38, 1-based): chr11:32,428,617, A>G on the plus strand (T>C on the coding strand, the complement: WT1 is on the minus strand). VCF-style: chr11-32428617-A-G. GRCh37 (hg19) VCF-style: chr11-32450163-A-G.
Other names: c.664T>C, p.Tyr222His (NM_000378.6, NM_001407044.1, NM_001407045.1 and 4 more transcripts); c.13T>C, p.Tyr5His (NM_001198551.2, NM_001198552.2); c.-99T>C (NM_001407051.1); c.649T>C, p.Tyr217His (NM_024425.2); short protein forms Y5H, Y222H, Y217H.
Identifiers: ClinVar variation 1370511 (VCV001370511.9), dbSNP rs746367691, ClinGen allele CA065427.
Genomic context (GRCh38, chr11:32,428,617, plus strand): 5'-CCGCATGGTGCGAGGGCGTGTGACCGTAGCTGGGCGTCCCGTCGAAGGTGACCGTGCTGT[A>G]ACCTGCGGGAGCGGCGGAGAGAAGCACAGTGTCAGCGGTGCTCTCGCAAGACGGGGCAGT-3'
Protein context (NP_077744.4, residues 212-232): ESQPAIRNQG[Tyr222His]STVTFDGTPS